The following is an entry in ClinVar:

NM_133443.4(GPT2):c.1211G>T (p.Arg404Leu)

Gene: GPT2 (glutamic--pyruvic transaminase 2; plus strand). Cytogenetic location: 16q11.2.
Variant type: single nucleotide variant.
Coding change: c.1211G>T on transcript NM_133443.4 (MANE Select); coding-DNA position 1211, G replaced by T.
Protein change: p.Arg404Leu; replaces arginine 404 with leucine.
Molecular consequence: missense variant.
Genome position (GRCh38, 1-based): chr16:46,922,415, G>T. VCF-style: chr16-46922415-G-T. GRCh37 (hg19) VCF-style: chr16-46956327-G-T.
Other names: c.911G>T, p.Arg304Leu (NM_001142466.3); short protein forms R304L, R404L.
Identifiers: ClinVar variation 3897947 (VCV003897947.1).

ClinVar aggregate classification (germline): Uncertain significance (1 of 4 stars; one submission).

Conditions:
Glutamate pyruvate transaminase 2 deficiency (NEDSPM). Also called: Neurodevelopmental disorder with microcephaly and spastic paraplegia. Identifiers: Orphanet 477673, MedGen C4225388, MONDO:0014567, OMIM 616281.

Submission:

Neuberg Centre For Genomic Medicine, NCGM
Classification: Uncertain significance for Glutamate pyruvate transaminase 2 deficiency. Last evaluated: 2024-02-01. Review status: criteria provided, single submitter. Criteria: ACMG Guidelines, 2015. Collection method: clinical testing. Allele origin: germline. Inheritance: Autosomal recessive inheritance.
Comment: The above variant has not been previously reported as a pathogenic nor as a benign variant, to our knowledge.